The following is an entry in ClinVar:

NM_201384.3(PLEC):c.6098C>T (p.Ala2033Val)

Gene: PLEC (plectin; minus strand). Cytogenetic location: 8q24.3.
Variant type: single nucleotide variant.
Coding change: c.6098C>T on transcript NM_201384.3 (MANE Select); coding-DNA position 6098, C replaced by T.
Protein change: p.Ala2033Val; replaces alanine 2033 with valine.
Molecular consequence: missense variant.
Genome position (GRCh38, 1-based): chr8:143,923,831, G>A on the plus strand (C>T on the coding strand, the complement: PLEC is on the minus strand). VCF-style: chr8-143923831-G-A. GRCh37 (hg19) VCF-style: chr8-144997999-G-A.
Other names: c.6179C>T, p.Ala2060Val (NM_000445.5); c.6056C>T, p.Ala2019Val (NM_201378.4); c.6032C>T, p.Ala2011Val (NM_201379.3); c.6509C>T, p.Ala2170Val (NM_201380.4); c.6002C>T, p.Ala2001Val (NM_201381.3); c.6098C>T, p.Ala2033Val (NM_201382.4); c.6110C>T, p.Ala2037Val (NM_201383.3); short protein forms A2001V, A2011V, A2037V, A2170V, A2019V, A2033V, A2060V.
Identifiers: ClinVar variation 283648 (VCV000283648.21), dbSNP rs782712639, ClinGen allele CA4926109.

ClinVar aggregate classification (germline): Uncertain significance. Review status: criteria provided, multiple submitters, no conflicts (2 of 4 stars). 4 submissions from 4 submitters: Uncertain significance (4). Last evaluated 2026-05-29.

Conditions:
PLEC-related disorder. Also called: PLEC-related condition; PLEC-related disorders.
Epidermolysis bullosa simplex 5C, with pyloric atresia (EBS5C). Also called: PLEC-Related Epidermolysis Bullosa with Pyloric Atresia; Epidermolysis bullosa simplex with pyloric atresia; PLEC1-Related Epidermolysis Bullosa with Pyloric Atresia. Identifiers: Orphanet 158684, MedGen C2677349, MONDO:0012807, OMIM 612138.
Epidermolysis bullosa simplex with nail dystrophy (EBS5D). Identifiers: MedGen C4225309, MONDO:0014661, OMIM 616487.
Autosomal recessive limb-girdle muscular dystrophy type 2Q (LGMDR17). Also called: MUSCULAR DYSTROPHY, LIMB-GIRDLE, AUTOSOMAL RECESSIVE 17. Identifiers: Orphanet 254361, MedGen C3150989, MONDO:0013390, OMIM 613723.
Epidermolysis bullosa simplex, Ogna type (EBS5A). Also called: Pidermolysis bullosa simplex 5A, Ogna type; EPIDERMOLYSIS BULLOSA SIMPLEX 5A, OGNA TYPE. Identifiers: Orphanet 79401, MedGen C0432317, MONDO:0007555, OMIM 131950.
Epidermolysis bullosa simplex 5B, with muscular dystrophy (EBS5B). Also called: EPIDERMOLYSIS BULLOSA SIMPLEX AND LIMB-GIRDLE MUSCULAR DYSTROPHY; Epidermolysis bullosa simplex with muscular dystrophy. Identifiers: Orphanet 257, MedGen C2931072, MONDO:0009181, OMIM 226670.

Allele frequency attached by ClinVar (database versions not stated): gnomAD 0.00001; TOPMed 0.00002; gnomAD exomes 0.00005 and 0.00008; ExAC 0.00009; 1000 Genomes Project 30x 0.00016.
gnomAD v4.1: 125 of 1,585,938 alleles (0.0079%); highest among the groups gnomAD compares: South Asian, 0.011%; no homozygotes.

Submissions (4):

PreventionGenetics, part of Exact Sciences
Classification: Uncertain significance for PLEC-related condition. Last evaluated: 2026-05-29. Review status: criteria provided, single submitter. Criteria: ACMG Guidelines, 2015. Collection method: clinical testing. Allele origin: germline.
Comment: The PLEC c.6179C>T variant is predicted to result in the amino acid substitution p.Ala2060Val. This variant was reported in the compound heterozygous state to a second potentially causative variant in two siblings with progressive familial intrahepatic cholestasis (Wu et al. 2019. PubMed ID: 31269534). This variant is reported in 0.014% of alleles in individuals of South Asian descent in gnomAD. This variant is interpreted as no interpretation set.

Labcorp Genetics (formerly Invitae), Labcorp
Classification: Uncertain significance for Autosomal recessive limb-girdle muscular dystrophy type 2Q; Epidermolysis bullosa simplex, Ogna type; Epidermolysis bullosa simplex with nail dystrophy; Epidermolysis bullosa simplex 5C, with pyloric atresia; Epidermolysis bullosa simplex 5B, with muscular dystrophy. Last evaluated: 2025-04-23. Review status: criteria provided, single submitter. Criteria: Invitae Variant Classification Sherloc (09022015). Collection method: clinical testing. Allele origin: germline.
Comment: This sequence change replaces alanine, which is neutral and non-polar, with valine, which is neutral and non-polar, at codon 2060 of the PLEC protein (p.Ala2060Val). This variant is present in population databases (rs782712639, gnomAD 0.01%). This variant has not been reported in the literature in individuals affected with PLEC-related conditions. ClinVar contains an entry for this variant (Variation ID: 283648). An algorithm developed to predict the effect of missense changes on protein structure and function (PolyPhen-2) suggests that this variant is likely to be tolerated. In summary, the available evidence is currently insufficient to determine the role of this variant in disease. Therefore, it has been classified as a Variant of Uncertain Significance.

Revvity Omics, Revvity
Classification: Uncertain significance. Last evaluated: 2021-11-03. Review status: criteria provided, single submitter. Criteria: ACMG Guidelines, 2015. Collection method: clinical testing. Allele origin: germline.

Eurofins Ntd Llc (ga)
Classification: Uncertain significance. Last evaluated: 2015-09-28. Review status: criteria provided, single submitter. Criteria: EGL Classification Definitions 2015. Collection method: clinical testing. Allele origin: germline. Observed: 1 variant allele, 1 heterozygote.